The following is an entry in ClinVar:

NM_003803.4(MYOM1):c.3056T>C (p.Leu1019Pro)

Gene: MYOM1 (myomesin 1; minus strand). Cytogenetic location: 18p11.31.
Variant type: single nucleotide variant.
Coding change: c.3056T>C on transcript NM_003803.4 (MANE Select); coding-DNA position 3056, T replaced by C.
Protein change: p.Leu1019Pro; replaces leucine 1019 with proline.
Molecular consequence: missense variant.
Genome position (GRCh38, 1-based): chr18:3,119,931, A>G on the plus strand (T>C on the coding strand, the complement: MYOM1 is on the minus strand). VCF-style: chr18-3119931-A-G. GRCh37 (hg19) VCF-style: chr18-3119929-A-G.
Other names: c.2768T>C, p.Leu923Pro (NM_019856.2); short protein forms L1019P, L923P.
Identifiers: ClinVar variation 2562741 (VCV002562741.2), dbSNP rs776715426, ClinGen allele CA8874441.

ClinVar aggregate classification (germline): Uncertain significance (1 of 4 stars; one submission).

Allele frequency attached by ClinVar (database versions not stated): ExAC 0.00001; gnomAD 0.00001; TOPMed 0.00001.
gnomAD v4.1: 1 of 1,611,662 alleles (0.000062%); highest among the groups gnomAD compares: African/African-American, 0.0013%; no homozygotes.

Submission:

Ambry Genetics
Classification: Uncertain significance. Last evaluated: 2023-05-05. Review status: criteria provided, single submitter. Criteria: Ambry Variant Classification Scheme 2023. Collection method: clinical testing. Allele origin: germline.
Comment: The p.L1019P variant (also known as c.3056T>C), located in coding exon 19 of the MYOM1 gene, results from a T to C substitution at nucleotide position 3056. The leucine at codon 1019 is replaced by proline, an amino acid with similar properties. This amino acid position is conserved. In addition, this alteration is predicted to be tolerated by in silico analysis. Since supporting evidence is limited at this time, the clinical significance of this alteration remains unclear.